The following is an entry in ClinVar:

ClinVar aggregate classification (germline): Uncertain significance. Review status: criteria provided, multiple submitters, no conflicts (2 of 4 stars). 4 submissions from 3 submitters: Uncertain significance (4). Last evaluated 2023-10-05.

Conditions:
Budd-Chiari syndrome (BDCHS). Also called: Hepatic vein obstruction. Identifiers: Orphanet 131, MedGen C0856761, MONDO:0010947, OMIM 600880, HP:0002639.
F5-related disorder. Also called: F5-related condition.
Factor V deficiency. Also called: Reduced coagulation factor V activity. Identifiers: Orphanet 326, MedGen C4317320, MONDO:0020586, HP:0003225.

Allele frequency attached by ClinVar (database versions not stated): gnomAD exomes 0.00003 and 0.00007; ExAC 0.00008; 1000 Genomes Project 30x 0.00016; 1000 Genomes Project 0.00020; gnomAD 0.00025 and 0.00027; TOPMed 0.00030; ESP Exome Variant Server 0.00038.
gnomAD v4.1: 84 of 1,613,608 alleles (0.0052%); highest among the groups gnomAD compares: African/African-American, 0.095%; no homozygotes.

Submissions (4):

Blueprint Genetics
Classification: Uncertain significance. Last evaluated: 2023-10-05. Review status: criteria provided, single submitter. Criteria: ACMG Guidelines, 2015. Collection method: clinical testing. Allele origin: germline.

PreventionGenetics, part of Exact Sciences
Classification: Uncertain significance for F5-related condition. Last evaluated: 2023-07-26. Review status: criteria provided, single submitter. Criteria: ACMG Guidelines, 2015. Collection method: clinical testing. Allele origin: germline.
Comment: The F5 c.566C>T variant is predicted to result in the amino acid substitution p.Pro189Leu. This variant was reported in the heterozygous state without a second variant an individual with factor V deficiency (Al-Numair et al 2019. PubMed ID: 31268865). This variant is reported in 0.11% of alleles in individuals of African descent in gnomAD. At this time, the clinical significance of this variant is uncertain due to the absence of conclusive functional and genetic evidence.

Illumina Laboratory Services, Illumina
Classification: Uncertain significance for Congenital factor V deficiency. Last evaluated: 2017-04-27. Review status: criteria provided, single submitter. Criteria: ICSL Variant Classification Criteria 13 December 2019. Collection method: clinical testing. Allele origin: germline.

Illumina Laboratory Services, Illumina
Classification: Uncertain significance for Budd-Chiari syndrome. Last evaluated: 2017-04-27. Review status: criteria provided, single submitter. Criteria: ICSL Variant Classification Criteria 13 December 2019. Collection method: clinical testing. Allele origin: germline.

NM_000130.5(F5):c.566C>T (p.Pro189Leu)

Gene: F5 (coagulation factor V; minus strand). Cytogenetic location: 1q24.2.
Variant type: single nucleotide variant.
Coding change: c.566C>T on transcript NM_000130.5 (MANE Select); coding-DNA position 566, C replaced by T.
Protein change: p.Pro189Leu; replaces proline 189 with leucine.
Molecular consequence: missense variant.
Genome position (GRCh38, 1-based): chr1:169,560,574, G>A on the plus strand (C>T on the coding strand, the complement: F5 is on the minus strand). VCF-style: chr1-169560574-G-A. GRCh37 (hg19) VCF-style: chr1-169529812-G-A.
Other names: short protein forms P189L.
Identifiers: ClinVar variation 873760 (VCV000873760.6), dbSNP rs141800405, ClinGen allele CA1234581.